The following is an entry in ClinVar:

NM_001042492.3(NF1):c.5610-1G>T

Gene: NF1 (neurofibromin 1; plus strand). Cytogenetic location: 17q11.2.
Variant type: single nucleotide variant.
Coding change: c.5610-1G>T on transcript NM_001042492.3 (MANE Select); the canonical splice acceptor site of the intron before coding-DNA position 5610, G replaced by T.
Molecular consequence: splice acceptor variant.
Genome position (GRCh38, 1-based): chr17:31,330,295, G>T. VCF-style: chr17-31330295-G-T. GRCh37 (hg19) VCF-style: chr17-29657313-G-T.
Other names: c.5547-1G>T (NM_000267.4).
Identifiers: ClinVar variation 1748221 (VCV001748221.3), dbSNP rs1567613569, ClinGen allele CA399010089.

ClinVar aggregate classification (germline): Pathogenic (1 of 4 stars; one submission).
ClinVar aggregate classification (oncogenicity): Likely oncogenic (1 of 4 stars; one submission).

Conditions:
Cardiovascular phenotype. Identifiers: MedGen CN230736.
Hereditary cancer-predisposing syndrome. Also called: Hereditary Cancer Syndrome; Hereditary neoplastic syndrome; Neoplastic Syndromes, Hereditary; Tumor predisposition. Identifiers: Orphanet 140162, MedGen C0027672, MeSH D009386, MONDO:0015356.
Neoplasm. Also called: Neoplasms; Neoplasm (disease); tumor. Identifiers: MedGen C0027651, MeSH D009369, MONDO:0005070, HP:0002664.

Submissions (2):

Center for Genomic Medicine, Rigshospitalet, Copenhagen University Hospital
Classification: Likely oncogenic for Neoplasm. Last evaluated: 2025-03-04. Review status: criteria provided, single submitter. Criteria: ClinGen/CGC/VICC Guidelines for Oncogenicity, 2022. Collection method: clinical testing. Allele origin: somatic. Affected: yes.

Ambry Genetics
Classification: Pathogenic for Cardiovascular phenotype; Hereditary cancer-predisposing syndrome. Last evaluated: 2023-06-14. Review status: criteria provided, single submitter. Criteria: Ambry Variant Classification Scheme 2023. Collection method: clinical testing. Allele origin: germline.
Comment: The c.5547-1G>T intronic pathogenic mutation results from a G to T substitution one nucleotide upstream from coding exon 38 of the NF1 gene. RNA studies have demonstrated that this alteration results in abnormal splicing in the set of samples tested (Ambry internal data). Another alteration impacting the same acceptor site (c.5547-2A>G) has been shown to have a similar impact on splicing and detected in multiple individuals with a clinical diagnosis of neurofibromatosis type 1 (NF1) (Pasmant E et al. Eur J Hum Genet, 2015 May;23:596-601; Ambry internal data). In silico splice site analysis predicts that c.5547-1G>T will weaken the native splice acceptor site. This variant is considered to be rare based on population cohorts in the Genome Aggregation Database (gnomAD). Based on the supporting evidence, this alteration is interpreted as a disease-causing mutation.